The following is an entry in ClinVar:

ClinVar aggregate classification (germline): Uncertain significance (1 of 4 stars; one submission).

Submission:

GeneDx
Classification: Uncertain significance. Last evaluated: 2024-04-08. Review status: criteria provided, single submitter. Criteria: GeneDx Variant Classification Process June 2021. Collection method: clinical testing. Allele origin: germline. Affected: yes.
Comment: Not observed at significant frequency in large population cohorts (gnomAD); In silico analysis supports that this missense variant has a deleterious effect on protein structure/function; Has not been previously published as pathogenic or benign to our knowledge

NM_020795.4(NLGN2):c.1640C>T (p.Pro547Leu)

Gene: NLGN2 (neuroligin 2; plus strand). Cytogenetic location: 17p13.1.
Variant type: single nucleotide variant.
Coding change: c.1640C>T on transcript NM_020795.4 (MANE Select); coding-DNA position 1640, C replaced by T.
Protein change: p.Pro547Leu; replaces proline 547 with leucine.
Molecular consequence: missense variant.
Genome position (GRCh38, 1-based): chr17:7,416,931, C>T. VCF-style: chr17-7416931-C-T. GRCh37 (hg19) VCF-style: chr17-7320250-C-T.
Other names: short protein forms P547L.
Identifiers: ClinVar variation 3371063 (VCV003371063.1).